The following is an entry in ClinVar:

NM_003737.4(DCHS1):c.6466G>A (p.Val2156Met)

Gene: DCHS1 (dachsous cadherin-related 1; minus strand). Cytogenetic location: 11p15.4.
Variant type: single nucleotide variant.
Coding change: c.6466G>A on transcript NM_003737.4 (MANE Select); coding-DNA position 6466, G replaced by A.
Protein change: p.Val2156Met; replaces valine 2156 with methionine.
Molecular consequence: missense variant.
Genome position (GRCh38, 1-based): chr11:6,626,279, C>T on the plus strand (G>A on the coding strand, the complement: DCHS1 is on the minus strand). VCF-style: chr11-6626279-C-T. GRCh37 (hg19) VCF-style: chr11-6647510-C-T.
Other names: short protein forms V2156M.
Identifiers: ClinVar variation 2269004 (VCV002269004.4), dbSNP rs776093492, ClinGen allele CA5859855.

ClinVar aggregate classification (germline): Uncertain significance. Review status: criteria provided, multiple submitters, no conflicts (2 of 4 stars). 2 submissions from 2 submitters: Uncertain significance (2). Last evaluated 2024-09-15.

Conditions:
Inborn genetic diseases. Identifiers: MedGen C0950123, MeSH D030342.

Allele frequency attached by ClinVar (database versions not stated): ExAC 0.00001.
gnomAD v4.1: 4 of 1,613,190 alleles (0.00025%); highest among the groups gnomAD compares: Non-Finnish European, 0.00025%; no homozygotes.

Submissions (2):

Labcorp Genetics (formerly Invitae), Labcorp
Classification: Uncertain significance. Last evaluated: 2024-09-15. Review status: criteria provided, single submitter. Criteria: Invitae Variant Classification Sherloc (09022015). Collection method: clinical testing. Allele origin: germline.
Comment: This sequence change replaces valine, which is neutral and non-polar, with methionine, which is neutral and non-polar, at codon 2156 of the DCHS1 protein (p.Val2156Met). This variant is present in population databases (rs776093492, gnomAD 0.0009%). This variant has not been reported in the literature in individuals affected with DCHS1-related conditions. ClinVar contains an entry for this variant (Variation ID: 2269004). Invitae Evidence Modeling of protein sequence and biophysical properties (such as structural, functional, and spatial information, amino acid conservation, physicochemical variation, residue mobility, and thermodynamic stability) indicates that this missense variant is not expected to disrupt DCHS1 protein function with a negative predictive value of 80%. In summary, the available evidence is currently insufficient to determine the role of this variant in disease. Therefore, it has been classified as a Variant of Uncertain Significance.

Ambry Genetics
Classification: Uncertain significance for Inborn genetic diseases. Last evaluated: 2022-01-03. Review status: criteria provided, single submitter. Criteria: Ambry Variant Classification Scheme 2023. Collection method: clinical testing. Allele origin: germline.